The following is an entry in ClinVar:

NM_000153.4(GALC):c.719A>G (p.Asp240Gly)

Gene: GALC (galactosylceramidase; minus strand). Cytogenetic location: 14q31.3.
Variant type: single nucleotide variant.
Coding change: c.719A>G on transcript NM_000153.4 (MANE Select); coding-DNA position 719, A replaced by G.
Protein change: p.Asp240Gly; replaces aspartic acid 240 with glycine.
Molecular consequence: missense variant.
Genome position (GRCh38, 1-based): chr14:87,976,391, T>C on the plus strand (A>G on the coding strand, the complement: GALC is on the minus strand). VCF-style: chr14-87976391-T-C. GRCh37 (hg19) VCF-style: chr14-88442735-T-C.
Other names: c.650A>G, p.Asp217Gly (NM_001201401.2); c.641A>G, p.Asp214Gly (NM_001201402.2); short protein forms D214G, D240G, D217G.
Identifiers: ClinVar variation 2165888 (VCV002165888.1), dbSNP rs2503476548, ClinGen allele CA390749389.
Genomic context (GRCh38, chr14:87,976,391, plus strand): 5'-TAGTTTTCCAAGTAAAACATGCCTTACCCTATAACATCAACCACCTTGAAGAGTTCGGCA[T>C]CAAGGAGCATGGATGCAGAGATGGACTCCCAGAGATTATCACTTGCTATGATTTTCACTC-3'
Protein context (NP_000144.2, residues 230-250): WESISASMLL[Asp240Gly]AELFKVVDVI

ClinVar aggregate classification (germline): Uncertain significance (1 of 4 stars; one submission).

Conditions:
Galactosylceramide beta-galactosidase deficiency. Also called: GALACTOCEREBROSIDASE DEFICIENCY; GALC DEFICIENCY; GLOBOID CELL LEUKOENCEPHALOPATHY; Leukodystrophy, Globoid Cell; Krabbe Disease. Identifiers: Orphanet 487, MedGen C0023521, MONDO:0009499, OMIM 245200.

Submission:

Labcorp Genetics (formerly Invitae), Labcorp
Classification: Uncertain significance for Galactosylceramide beta-galactosidase deficiency. Last evaluated: 2022-07-17. Review status: criteria provided, single submitter. Criteria: Invitae Variant Classification Sherloc (09022015). Collection method: clinical testing. Allele origin: germline.
Comment: This sequence change replaces aspartic acid, which is acidic and polar, with glycine, which is neutral and non-polar, at codon 240 of the GALC protein (p.Asp240Gly). This variant is not present in population databases (gnomAD no frequency). This variant has not been reported in the literature in individuals affected with GALC-related conditions. Advanced modeling of protein sequence and biophysical properties (such as structural, functional, and spatial information, amino acid conservation, physicochemical variation, residue mobility, and thermodynamic stability) performed at Invitae indicates that this missense variant is expected to disrupt GALC protein function. In summary, the available evidence is currently insufficient to determine the role of this variant in disease. Therefore, it has been classified as a Variant of Uncertain Significance.